The following is an entry in ClinVar:

NM_001142864.4(PIEZO1):c.753G>A (p.Ala251=)

Genes: HSALR1 (HSP90AB1 associated lncRNA 1; plus strand), PIEZO1 (piezo type mechanosensitive ion channel component 1 (Er blood group); minus strand). Cytogenetic location: 16q24.3.
Variant type: single nucleotide variant.
Coding change: c.753G>A on transcript NM_001142864.4 (MANE Select); coding-DNA position 753, G replaced by A.
Protein change: p.Ala251=; no amino-acid change (alanine 251 retained).
Molecular consequence: synonymous variant. On other transcripts: non-coding transcript variant (1).
Genome position (GRCh38, 1-based): chr16:88,738,322, C>T on the plus strand (G>A on the coding strand, the complement: PIEZO1 is on the minus strand). VCF-style: chr16-88738322-C-T. GRCh37 (hg19) VCF-style: chr16-88804730-C-T.
Identifiers: ClinVar variation 2647004 (VCV002647004.24), dbSNP rs150688010, ClinGen allele CA286436571.

ClinVar aggregate classification (germline): Likely benign (1 of 4 stars; one submission).

Allele frequency attached by ClinVar (database versions not stated): gnomAD exomes 0.00003; ESP Exome Variant Server 0.00022; 1000 Genomes Project 30x 0.00062; 1000 Genomes Project 0.00080.
gnomAD v4.1: 60 of 1,535,844 alleles (0.0039%); highest among the groups gnomAD compares: East Asian, 0.034%; no homozygotes.

Submission:

CeGaT Center for Human Genetics Tuebingen
Classification: Likely benign. Last evaluated: 2023-01-01. Review status: criteria provided, single submitter. Criteria: CeGaT Center For Human Genetics Tuebingen Variant Classification Criteria Version 2. Collection method: clinical testing. Allele origin: germline. Affected: yes. Observed: 1 variant allele.
Comment: PIEZO1: BP4, BP7